The following is an entry in ClinVar:

NM_001385641.1(SAMD11):c.2527_2528del (p.Leu843fs)

Gene: SAMD11 (sterile alpha motif domain containing 11; plus strand). Cytogenetic location: 1p36.33.
Variant type: Microsatellite.
Coding change: c.2527_2528del on transcript NM_001385641.1 (MANE Select); coding-DNA positions 2527 to 2528, 2 bases deleted (CT; older notation c.2527_2528delCT).
Protein change: p.Leu843fs; shifts the reading frame from leucine 843.
Molecular consequence: frameshift variant.
Genome position (GRCh38, 1-based): chr1:944,145-944,146, CT deleted; deleting any 2 consecutive bases within chr1:944,143-944,146 gives the same sequence; the c. name uses the placement nearest the transcript's 3' end. VCF-style (leftmost placement, unchanged base first): chr1-944142-CCT-C. GRCh37 (hg19) VCF-style: chr1-879522-CCT-C.
Other names: c.2530_2531del, p.Leu844fs (NM_001385640.1); c.2038_2039del, p.Leu680fs (NM_152486.4); short protein forms L680fs, L844fs, L843fs.
Identifiers: ClinVar variation 2133579 (VCV002133579.4), dbSNP rs1311268458, ClinGen allele CA520610045.
Genomic context (GRCh38, chr1:944,142, plus strand): 5'-TCACCCAAGCAGGAGAATGGGACCTTGGCTCTACTTCCAGGGGCCCCCGACCCTTCCCAG[CCT>C]CTGTGTTGAGGTTGCCGGGGGTAGGGGTGGGGCCACACAAATCTCCAGGAGCCACCACTC-3'

ClinVar aggregate classification (germline): Uncertain significance (1 of 4 stars; one submission).

Submission:

Labcorp Genetics (formerly Invitae), Labcorp
Classification: Uncertain significance. Last evaluated: 2022-07-17. Review status: criteria provided, single submitter. Criteria: Invitae Variant Classification Sherloc (09022015). Collection method: clinical testing. Allele origin: germline.
Comment: This sequence change results in a frameshift in the SAMD11 gene (p.Leu680Valfs*60). While this is not anticipated to result in nonsense mediated decay, it is expected to disrupt the last 2 amino acid(s) of the SAMD11 protein and extend the protein by 57 additional amino acid residues. In summary, the available evidence is currently insufficient to determine the role of this variant in disease. Therefore, it has been classified as a Variant of Uncertain Significance. Experimental studies and prediction algorithms are not available or were not evaluated, and the functional significance of this variant is currently unknown. This variant has not been reported in the literature in individuals affected with SAMD11-related conditions. This variant is present in population databases (no rsID available, gnomAD 0.004%).